The following is an entry in ClinVar:

NM_000138.5(FBN1):c.4390C>T (p.Leu1464Phe)

Gene: FBN1 (fibrillin 1; minus strand). Cytogenetic location: 15q21.1.
Variant type: single nucleotide variant.
Coding change: c.4390C>T on transcript NM_000138.5 (MANE Select); coding-DNA position 4390, C replaced by T.
Protein change: p.Leu1464Phe; replaces leucine 1464 with phenylalanine.
Molecular consequence: missense variant.
Genome position (GRCh38, 1-based): chr15:48,470,703, G>A on the plus strand (C>T on the coding strand, the complement: FBN1 is on the minus strand). VCF-style: chr15-48470703-G-A. GRCh37 (hg19) VCF-style: chr15-48762900-G-A.
Other names: short protein forms L1464F.
Identifiers: ClinVar variation 927577 (VCV000927577.3), dbSNP rs1161494614, ClinGen allele CA392354559.

ClinVar aggregate classification (germline): Uncertain significance (1 of 4 stars; one submission).

Conditions:
Familial thoracic aortic aneurysm and aortic dissection (TAAD). Also called: Thoracic aortic aneurysms and dissections. Identifiers: Orphanet 91387, MedGen C4707243, MONDO:0019625.

Allele frequency attached by ClinVar (database versions not stated): TOPMed below 0.00001.
gnomAD v4.1: 1 of 1,614,080 alleles (0.000062%); highest among the groups gnomAD compares: South Asian, 0.0011%; no homozygotes.

Submission:

Color Diagnostics, LLC DBA Color Health
Classification: Uncertain significance for Familial thoracic aortic aneurysm and aortic dissection. Last evaluated: 2020-04-14. Review status: criteria provided, single submitter. Criteria: ACMG Guidelines, 2015. Collection method: clinical testing. Allele origin: germline.
Comment: This missense variant replaces leucine with phenylalanine at codon 1464 of the FBN1 protein. Computational prediction is inconclusive regarding the impact of this variant on protein structure and function (internally defined REVEL score threshold 0.5 < inconclusive < 0.7, PMID: 27666373). To our knowledge, functional studies have not been reported for this variant. This variant has not been reported in individuals affected with cardiovascular disorders in the literature. This variant has been identified in 1/251302 chromosomes in the general population by the Genome Aggregation Database (gnomAD). The available evidence is insufficient to determine the role of this variant in disease conclusively. Therefore, this variant is classified as a Variant of Uncertain Significance.